The following is an entry in ClinVar:

NM_018418.5(SPATA7):c.373-15A>G

Gene: SPATA7 (spermatogenesis associated 7; plus strand). Cytogenetic location: 14q31.3.
Variant type: single nucleotide variant.
Coding change: c.373-15A>G on transcript NM_018418.5 (MANE Select); 15 bases into the intron before coding-DNA position 373, A replaced by G.
Molecular consequence: intron variant.
Genome position (GRCh38, 1-based): chr14:88,426,217, A>G. VCF-style: chr14-88426217-A-G. GRCh37 (hg19) VCF-style: chr14-88892561-A-G.
Other names: c.277-15A>G (NM_001040428.4).
Identifiers: ClinVar variation 932052 (VCV000932052.12), dbSNP rs781587897, ClinGen allele CA7298521.

ClinVar aggregate classification (germline): Conflicting classifications of pathogenicity. Review status: criteria provided, conflicting classifications (1 of 4 stars). 3 submissions from 3 submitters: Uncertain significance (1); Benign (1); Likely benign (1). Last evaluated 2025-11-25.

Conditions:
Leber congenital amaurosis 3 (LCA3). Also called: SPATA7-Related Retinitis Pigmentosa. Identifiers: MedGen C1858677, MONDO:0011415, OMIM 604232.

Allele frequency attached by ClinVar (database versions not stated): gnomAD 0.00003; gnomAD exomes 0.00004 and 0.00020; TOPMed 0.00008; ExAC 0.00024.
gnomAD v4.1: 58 of 1,582,104 alleles (0.0037%); highest among the groups gnomAD compares: Admixed American, 0.082%; no homozygotes.

Submissions (3):

Labcorp Genetics (formerly Invitae), Labcorp
Classification: Benign for Leber congenital amaurosis 3. Last evaluated: 2025-11-25. Review status: criteria provided, single submitter. Criteria: Invitae Variant Classification Sherloc (09022015). Collection method: clinical testing. Allele origin: germline.

Blueprint Genetics
Classification: Likely benign. Last evaluated: 2021-11-04. Review status: criteria provided, single submitter. Criteria: ACMG Guidelines, 2015. Collection method: clinical testing. Allele origin: germline.

Centre for Mendelian Genomics, University Medical Centre Ljubljana
Classification: Uncertain significance for Leber congenital amaurosis 3. Last evaluated: 2019-02-22. Review status: criteria provided, single submitter. Criteria: ACMG Guidelines, 2015. Collection method: clinical testing. Allele origin: unknown. Affected: yes.
Comment: This variant was classified as: Uncertain significance. The available evidence on this variant's pathogenicity is insufficient or conflicting. The following ACMG criteria were applied in classifying this variant: BP4.